The following is an entry in ClinVar:

ClinVar aggregate classification (germline): Pathogenic. Review status: criteria provided, single submitter (1 of 4 stars). 2 submissions from 2 submitters: Pathogenic (1). 1 of the submissions does not count toward it. Last evaluated 2024-06-07.

Conditions:
Mucopolysaccharidosis, MPS-II (MPS2). Also called: IDS deficiency; Sulfoiduronate sulfatase deficiency; SIDS deficiency; Mucopolysaccharidosis type 2; Mucopolysaccharidosis Type II; Attenuated MPS (subtype; formerly known as mild MPS II). Identifiers: Orphanet 580, Orphanet 79388, MedGen C0026705, MONDO:0010674, OMIM 309900.

Submissions (2):

Laboratory of Diagnosis and Therapy of Lysosomal Disorders, University of Padova
Classification: Pathogenic for Mucopolysaccharidosis, MPS-II. Last evaluated: 2024-06-07. Review status: criteria provided, single submitter. Criteria: ACMG Guidelines, 2015. Collection method: literature only. Allele origin: germline. Affected: yes. Observed: 1 variant allele.
Comment: Null variant (PVS1_VeryStrong), Absent from controls (or at low frequency) in gnomAD database (PM2_Moderate), Patient’s phenotype or family history highly specific for the disease (PP4_Strong)

Classification method: ACMG Guidelines [PMID:25741868] with modifications

Laboratory of Inherited Metabolic Diseases, Research centre for medical genetics
Classification: Pathogenic for Mucopolysaccharidosis, type II; MPS2. Review status: no assertion criteria provided. Collection method: research. Allele origin: germline. Affected: yes. Not counted in ClinVar's aggregate classification.

Literature cited by the submitters: PubMed 33676511 (cited by Laboratory of Diagnosis and Therapy of Lysosomal Disorders, University of Padova).

NM_000202.8(IDS):c.899_900del (p.Tyr300fs)

Genes: IDS (iduronate 2-sulfatase; minus strand), LOC106050102 (IDS recombination region; plus strand). Cytogenetic location: Xq28.
Variant type: Deletion.
Coding change: c.899_900del on transcript NM_000202.8 (MANE Select); coding-DNA positions 899 to 900, 2 bases deleted (AC; older notation c.899_900delAC).
Protein change: p.Tyr300fs; shifts the reading frame from tyrosine 300.
Molecular consequence: frameshift variant. On other transcripts: non-coding transcript variant (1).
Genome position (GRCh38, 1-based): chrX:149,490,420-149,490,421, GT deleted on the plus strand (AC on the coding strand, the reverse complement: IDS is on the minus strand). VCF-style (leftmost placement, unchanged base first): chrX-149490419-AGT-A. GRCh37 (hg19) VCF-style: chrX-148571950-AGT-A.
Other names: c.629_630del, p.Tyr210fs (NM_001166550.4); c.899_900del, p.Tyr300fs (NM_006123.5); short protein forms Y210fs, Y300fs.
Identifiers: ClinVar variation 988687 (VCV000988687.3), dbSNP rs2089380268, ClinGen allele CA2465006797.